The following is an entry in ClinVar:

NM_002693.3(POLG):c.788A>G (p.Glu263Gly)

Gene: POLG (DNA polymerase gamma, catalytic subunit; minus strand). Cytogenetic location: 15q26.1.
Variant type: single nucleotide variant.
Coding change: c.788A>G on transcript NM_002693.3 (MANE Select); coding-DNA position 788, A replaced by G.
Protein change: p.Glu263Gly; replaces glutamic acid 263 with glycine.
Molecular consequence: missense variant.
Genome position (GRCh38, 1-based): chr15:89,330,148, T>C on the plus strand (A>G on the coding strand, the complement: POLG is on the minus strand). VCF-style: chr15-89330148-T-C. GRCh37 (hg19) VCF-style: chr15-89873379-T-C.
Other names: c.788A>G, p.Glu263Gly (NM_001126131.2); short protein forms E263G.
Identifiers: ClinVar variation 4738811 (VCV004738811.1).

ClinVar aggregate classification (germline): Uncertain significance (1 of 4 stars; one submission).

Conditions:
Progressive sclerosing poliodystrophy (MTDPS4A). Also called: Mitochondrial DNA depletion syndrome 4A (Alpers type); ALPERS PROGRESSIVE INFANTILE POLIODYSTROPHY; NEURONAL DEGENERATION OF CHILDHOOD WITH LIVER DISEASE, PROGRESSIVE; Alpers Syndrome; ALPERS DIFFUSE DEGENERATION OF CEREBRAL GRAY MATTER WITH HEPATIC CIRRHOSIS; Alpers-Huttenlocher Syndrome. Identifiers: Orphanet 726, MedGen C0205710, MONDO:0008758, OMIM 203700.

Submission:

Labcorp Genetics (formerly Invitae), Labcorp
Classification: Uncertain significance for Progressive sclerosing poliodystrophy. Last evaluated: 2026-01-07. Review status: criteria provided, single submitter. Criteria: Invitae Variant Classification Sherloc (09022015). Collection method: clinical testing. Allele origin: germline.
Comment: This sequence change replaces glutamic acid, which is acidic and polar, with glycine, which is neutral and non-polar, at codon 263 of the POLG protein (p.Glu263Gly). The frequency data for this variant in the population databases is considered unreliable, as metrics indicate poor data quality at this position in the gnomAD database. This variant has not been reported in the literature in individuals affected with POLG-related conditions. Invitae Evidence Modeling of protein sequence and biophysical properties (such as structural, functional, and spatial information, amino acid conservation, physicochemical variation, residue mobility, and thermodynamic stability) has been performed for this missense variant. However, the output from this modeling did not meet the statistical confidence thresholds required to predict the impact of this variant on POLG protein function. In summary, the available evidence is currently insufficient to determine the role of this variant in disease. Therefore, it has been classified as a Variant of Uncertain Significance.